The following is an entry in ClinVar:

ClinVar aggregate classification (germline): Uncertain significance (1 of 4 stars; one submission).

Submission:

Labcorp Genetics (formerly Invitae), Labcorp
Classification: Uncertain significance. Last evaluated: 2023-03-18. Review status: criteria provided, single submitter. Criteria: Invitae Variant Classification Sherloc (09022015). Collection method: clinical testing. Allele origin: germline.
Comment: Algorithms developed to predict the effect of missense changes on protein structure and function output the following: SIFT: "Not Available"; PolyPhen-2: "Benign"; Align-GVGD: "Not Available". The serine amino acid residue is found in multiple mammalian species, which suggests that this missense change does not adversely affect protein function. In summary, the available evidence is currently insufficient to determine the role of this variant in disease. Therefore, it has been classified as a Variant of Uncertain Significance. This variant has not been reported in the literature in individuals affected with ADGRA3-related conditions. This variant is not present in population databases (gnomAD no frequency). This sequence change replaces threonine, which is neutral and polar, with serine, which is neutral and polar, at codon 435 of the ADGRA3 protein (p.Thr435Ser).

NM_145290.4(ADGRA3):c.1304C>G (p.Thr435Ser)

Gene: ADGRA3 (adhesion G protein-coupled receptor A3; minus strand). Cytogenetic location: 4p15.2.
Variant type: single nucleotide variant.
Coding change: c.1304C>G on transcript NM_145290.4 (MANE Select); coding-DNA position 1304, C replaced by G.
Protein change: p.Thr435Ser; replaces threonine 435 with serine.
Molecular consequence: missense variant.
Genome position (GRCh38, 1-based): chr4:22,435,450, G>C on the plus strand (C>G on the coding strand, the complement: ADGRA3 is on the minus strand). VCF-style: chr4-22435450-G-C. GRCh37 (hg19) VCF-style: chr4-22437073-G-C.
Other names: short protein forms T435S.
Identifiers: ClinVar variation 2847193 (VCV002847193.3), dbSNP rs2474779300, ClinGen allele CA356481967.